The following is an entry in ClinVar:

ClinVar aggregate classification (germline): Uncertain significance/Uncertain risk allele. Review status: criteria provided, multiple submitters, no conflicts (2 of 4 stars). 4 submissions from 4 submitters: Uncertain significance (3); Uncertain risk allele (1). Last evaluated 2025-01-06.

Conditions:
Wolfram syndrome 1 (WFS1). Identifiers: Orphanet 3463, MedGen C4551693, MONDO:0009101, OMIM 222300.

Allele frequency attached by ClinVar (database versions not stated): gnomAD 0.00001; gnomAD exomes 0.00001; TOPMed 0.00001; ExAC 0.00002.
gnomAD v4.1: 6 of 1,614,032 alleles (0.00037%); highest among the groups gnomAD compares: Non-Finnish European, 0.00051%; no homozygotes.

Submissions (4):

Labcorp Genetics (formerly Invitae), Labcorp
Classification: Uncertain significance. Last evaluated: 2025-01-06. Review status: criteria provided, single submitter. Criteria: Invitae Variant Classification Sherloc (09022015). Collection method: clinical testing. Allele origin: germline.
Comment: This sequence change replaces serine, which is neutral and polar, with asparagine, which is neutral and polar, at codon 368 of the WFS1 protein (p.Ser368Asn). This variant is present in population databases (rs397517194, gnomAD 0.002%). This variant has not been reported in the literature in individuals affected with WFS1-related conditions. ClinVar contains an entry for this variant (Variation ID: 45429). Invitae Evidence Modeling of protein sequence and biophysical properties (such as structural, functional, and spatial information, amino acid conservation, physicochemical variation, residue mobility, and thermodynamic stability) indicates that this missense variant is not expected to disrupt WFS1 protein function with a negative predictive value of 95%. In summary, the available evidence is currently insufficient to determine the role of this variant in disease. Therefore, it has been classified as a Variant of Uncertain Significance.

GeneDx
Classification: Uncertain significance. Last evaluated: 2019-02-26. Review status: criteria provided, single submitter. Criteria: GeneDx Variant Classification Process June 2021. Collection method: clinical testing. Allele origin: germline. Affected: yes.
Comment: Not observed at a significant frequency in large population cohorts (Lek et al., 2016); In silico analysis, which includes protein predictors and evolutionary conservation, supports that this variant does not alter protein structure/function; Has not been previously published as pathogenic or benign to our knowledge

Laboratory for Molecular Medicine, Mass General Brigham Personalized Medicine
Classification: Uncertain significance. Last evaluated: 2013-03-11. Review status: criteria provided, single submitter. Criteria: LMM Criteria. Collection method: clinical testing. Allele origin: germline. Observed: 1 variant allele.
Comment: Variant classified as Uncertain Significance - Favor Benign. The Ser368Asn varia nt in WFS1 has not been reported in the literature nor previously identified by our laboratory. Computational analyses (biochemical amino acid properties, conse rvation, AlignGVGD, PolyPhen2, and SIFT) suggest that the Ser368Asn variant may not impact the protein, primarily due to lack of full conservation of the Ser368 residue in mammals and minimal biochemical difference between Ser and Asn. Howe ver, these observations are not predictive enough to rule out pathogenicity. In summary, the clinical significance of this variant cannot be determined with cer tainty; however, based upon the assessment described above, we lean towards a mo re likely benign role.

Clinical Genomics, Uppaluri K&H Personalized Medicine Clinic
Classification: Uncertain risk allele for Wolfram syndrome 1. Review status: criteria provided, single submitter. Criteria: K & H Uppaluri Personalized Medicine Clinic Variant Classification & Assertion Criteria_Updated V.1. Collection method: research. Allele origin: unknown. Inheritance: Autosomal recessive inheritance.
Comment: Potent mutations in WFS1 gene are associated with Wolfram's syndrome, an autosomal recessive condition, which cause diabetes mellitus, diabetes insipidus, deafness and optic atrophy.However no sufficient evidence is found to ascertain the role of this particular variant rs397517194 in Wolfram's syndrome yet.

Literature cited by the submitters: PubMed 20738327 (cited by Clinical Genomics, Uppaluri K&H Personalized Medicine Clinic); PubMed 33879153 (cited by Clinical Genomics, Uppaluri K&H Personalized Medicine Clinic); PubMed 12955714 (cited by Clinical Genomics, Uppaluri K&H Personalized Medicine Clinic); PubMed 18060660 (cited by Clinical Genomics, Uppaluri K&H Personalized Medicine Clinic); PubMed 20301750 (cited by Clinical Genomics, Uppaluri K&H Personalized Medicine Clinic); PubMed 17603484 (cited by Clinical Genomics, Uppaluri K&H Personalized Medicine Clinic).

NM_006005.3(WFS1):c.1103G>A (p.Ser368Asn)

Gene: WFS1 (wolframin ER transmembrane glycoprotein; plus strand). Cytogenetic location: 4p16.1.
Variant type: single nucleotide variant.
Coding change: c.1103G>A on transcript NM_006005.3 (MANE Select); coding-DNA position 1103, G replaced by A.
Protein change: p.Ser368Asn; replaces serine 368 with asparagine.
Molecular consequence: missense variant.
Genome position (GRCh38, 1-based): chr4:6,300,898, G>A. VCF-style: chr4-6300898-G-A. GRCh37 (hg19) VCF-style: chr4-6302625-G-A.
Other names: c.1103G>A, p.Ser368Asn (NM_001145853.1); short protein forms S368N.
Identifiers: ClinVar variation 45429 (VCV000045429.15), dbSNP rs397517194, ClinGen allele CA136326.